The following is an entry in ClinVar:

ClinVar aggregate classification (germline): Uncertain significance (1 of 4 stars; one submission).

Conditions:
Autosomal recessive severe congenital neutropenia due to CSF3R deficiency. Also called: Neutropenia, severe congenital, 7, autosomal recessive. Identifiers: Orphanet 420702, MedGen C4310764, MONDO:0014865, OMIM 617014.

Allele frequency attached by ClinVar (database versions not stated): gnomAD exomes below 0.00001.
gnomAD v4.1: 1 of 1,610,306 alleles (0.000062%); highest among the groups gnomAD compares: East Asian, 0.0022%; no homozygotes.

Submission:

Labcorp Genetics (formerly Invitae), Labcorp
Classification: Uncertain significance for Autosomal recessive severe congenital neutropenia due to CSF3R deficiency. Last evaluated: 2022-01-28. Review status: criteria provided, single submitter. Criteria: Invitae Variant Classification Sherloc (09022015). Collection method: clinical testing. Allele origin: germline.
Comment: In summary, the available evidence is currently insufficient to determine the role of this variant in disease. Therefore, it has been classified as a Variant of Uncertain Significance. Algorithms developed to predict the effect of missense changes on protein structure and function output the following: SIFT: "Tolerated"; PolyPhen-2: "Benign"; Align-GVGD: "Class C0". The asparagine amino acid residue is found in multiple mammalian species, which suggests that this missense change does not adversely affect protein function. This variant has not been reported in the literature in individuals affected with CSF3R-related conditions. This variant is not present in population databases (gnomAD no frequency). This sequence change replaces serine, which is neutral and polar, with asparagine, which is neutral and polar, at codon 238 of the CSF3R protein (p.Ser238Asn).

NM_000760.4(CSF3R):c.713G>A (p.Ser238Asn)

Gene: CSF3R (colony stimulating factor 3 receptor; minus strand). Cytogenetic location: 1p34.3.
Variant type: single nucleotide variant.
Coding change: c.713G>A on transcript NM_000760.4 (MANE Select); coding-DNA position 713, G replaced by A.
Protein change: p.Ser238Asn; replaces serine 238 with asparagine.
Molecular consequence: missense variant.
Genome position (GRCh38, 1-based): chr1:36,472,647, C>T on the plus strand (G>A on the coding strand, the complement: CSF3R is on the minus strand). VCF-style: chr1-36472647-C-T. GRCh37 (hg19) VCF-style: chr1-36938248-C-T.
Other names: c.713G>A, p.Ser238Asn (NM_156039.3, NM_172313.3); short protein forms S238N.
Identifiers: ClinVar variation 1981263 (VCV001981263.4), dbSNP rs2521795586, ClinGen allele CA339423175.